The following is an entry in ClinVar:

ClinVar aggregate classification (germline): Uncertain significance (1 of 4 stars; one submission).

Conditions:
Cornelia de Lange syndrome 1 (CDLS1). Also called: NIPBL-Related Cornelia de Lange Syndrome; TYPUS DEGENERATIVUS AMSTELODAMENSIS; Brachmann de Lange syndrome. Identifiers: Orphanet 199, MedGen C4551851, MONDO:0007387, OMIM 122470.

Allele frequency attached by ClinVar (database versions not stated): gnomAD exomes below 0.00001.
gnomAD v4.1: 1 of 1,606,010 alleles (0.000062%); highest among the groups gnomAD compares: South Asian, 0.0011%; no homozygotes.

Submission:

Labcorp Genetics (formerly Invitae), Labcorp
Classification: Uncertain significance for Cornelia de Lange syndrome 1. Last evaluated: 2023-10-04. Review status: criteria provided, single submitter. Criteria: Invitae Variant Classification Sherloc (09022015). Collection method: clinical testing. Allele origin: germline.
Comment: This sequence change replaces aspartic acid, which is acidic and polar, with asparagine, which is neutral and polar, at codon 1217 of the NIPBL protein (p.Asp1217Asn). This variant is not present in population databases (gnomAD no frequency). This variant has not been reported in the literature in individuals affected with NIPBL-related conditions. Advanced modeling of protein sequence and biophysical properties (such as structural, functional, and spatial information, amino acid conservation, physicochemical variation, residue mobility, and thermodynamic stability) performed at Invitae indicates that this missense variant is expected to disrupt NIPBL protein function. In summary, the available evidence is currently insufficient to determine the role of this variant in disease. Therefore, it has been classified as a Variant of Uncertain Significance.

NM_133433.4(NIPBL):c.3649G>A (p.Asp1217Asn)

Gene: NIPBL (NIPBL cohesin loading factor; plus strand). Cytogenetic location: 5p13.2.
Variant type: single nucleotide variant.
Coding change: c.3649G>A on transcript NM_133433.4 (MANE Select); coding-DNA position 3649, G replaced by A.
Protein change: p.Asp1217Asn; replaces aspartic acid 1217 with asparagine.
Molecular consequence: missense variant.
Genome position (GRCh38, 1-based): chr5:37,001,063, G>A. VCF-style: chr5-37001063-G-A. GRCh37 (hg19) VCF-style: chr5-37001165-G-A.
Other names: c.3649G>A, p.Asp1217Asn (NM_015384.5); short protein forms D1217N.
Identifiers: ClinVar variation 2765204 (VCV002765204.3), dbSNP rs1228316255, ClinGen allele CA359519517.